The following is an entry in ClinVar:

NM_003743.5(NCOA1):c.4117T>C (p.Ser1373Pro)

Gene: NCOA1 (nuclear receptor coactivator 1; plus strand). Cytogenetic location: 2p23.3.
Variant type: single nucleotide variant.
Coding change: c.4117T>C on transcript NM_003743.5 (MANE Select); coding-DNA position 4117, T replaced by C.
Protein change: p.Ser1373Pro; replaces serine 1373 with proline.
Molecular consequence: missense variant.
Genome position (GRCh38, 1-based): chr2:24,762,738, T>C. VCF-style: chr2-24762738-T-C. GRCh37 (hg19) VCF-style: chr2-24985607-T-C.
Other names: c.4117T>C, p.Ser1373Pro (NM_001362950.1, NM_001362952.1, NM_001362954.1 and 3 more transcripts); short protein forms S1373P.
Identifiers: ClinVar variation 3035965 (VCV003035965.2), dbSNP rs61754969, ClinGen allele CA1552813.

ClinVar aggregate classification (germline): Likely benign (0 of 4 stars; one submission).

Conditions:
NCOA1-related disorder. Also called: NCOA1-related condition.

Allele frequency attached by ClinVar (database versions not stated): TOPMed below 0.00001; gnomAD 0.00007; gnomAD exomes 0.00014; ExAC 0.00028; 1000 Genomes Project 30x 0.00031; 1000 Genomes Project 0.00040.
gnomAD v4.1: 212 of 1,614,060 alleles (0.013%); highest among the groups gnomAD compares: South Asian, 0.22%; no homozygotes.

Submission:

PreventionGenetics, part of Exact Sciences
Classification: Likely benign for NCOA1-related condition. Last evaluated: 2022-07-28. Review status: no assertion criteria provided. Collection method: clinical testing. Allele origin: germline.
Comment: This variant is classified as likely benign based on ACMG/AMP sequence variant interpretation guidelines (Richards et al. 2015 PMID: 25741868, with internal and published modifications).